The following is an entry in ClinVar:

NM_006009.4(TUBA1A):c.215C>G (p.Pro72Arg)

Gene: TUBA1A (tubulin alpha 1a; minus strand). Cytogenetic location: 12q13.12.
Variant type: single nucleotide variant.
Coding change: c.215C>G on transcript NM_006009.4 (MANE Select); coding-DNA position 215, C replaced by G.
Protein change: p.Pro72Arg; replaces proline 72 with arginine.
Molecular consequence: missense variant.
Genome position (GRCh38, 1-based): chr12:49,186,622, G>C on the plus strand (C>G on the coding strand, the complement: TUBA1A is on the minus strand). VCF-style: chr12-49186622-G-C. GRCh37 (hg19) VCF-style: chr12-49580405-G-C.
Other names: c.215C>G, p.Pro72Arg (NM_001270399.2); c.110C>G, p.Pro37Arg (NM_001270400.2); short protein forms P72R, P37R.
Identifiers: ClinVar variation 625518 (VCV000625518.1), dbSNP rs1565627677, ClinGen allele CA384644679.
Genomic context (GRCh38, chr12:49,186,622, plus strand): 5'-CCTGTCCCAGCACCCTGGGATCTCACTTGGGTTACTGAGGTCAACTCACCAATGACTGTG[G>C]GTTCCAAGTCTACAAACACTGCCCGGGGCACATGCTTGCCAGCCCCCGTCTCACTGAAGA-3'
Protein context (NP_006000.2, residues 62-82): VPRAVFVDLE[Pro72Arg]TVIDEVRTGT

ClinVar aggregate classification (germline): Pathogenic (1 of 4 stars; one submission).

Conditions:
Tubulinopathy. Also called: Tubulinopathies. Identifiers: MedGen CN850169, MONDO:0100153.

Submission:

Institute of Human Genetics, FAU Erlangen, Friedrich-Alexander-Universität Erlangen-Nürnberg
Classification: Pathogenic for Tubulinopathies. Last evaluated: 2018-07-01. Review status: criteria provided, single submitter. Criteria: ACMG Guidelines, 2015. Collection method: literature only. Allele origin: de novo. Affected: yes. Observed: 1 variant allele.
Comment: The c.215C>G, p.(Pro72Arg) variant has been reported as a variant of de novo origin. This variant and associated phenotype was previously reported by Lelieveld et al. Nat Neurosci, 2016

Literature cited by the submitters: PubMed 30744660; DOI 10.1101/427948.